The following is an entry in ClinVar:

ClinVar aggregate classification (germline): Benign/Likely benign. Review status: criteria provided, multiple submitters, no conflicts (2 of 4 stars). 4 submissions from 4 submitters: Benign (1); Likely benign (2). 1 of the submissions does not count toward it. Last evaluated 2025-12-30.

Conditions:
Orthostatic hypotension 1 (ORTHYP1). Also called: Dopamine beta-hydroxylase deficiency; NORADRENALINE DEFICIENCY; NOREPINEPHRINE DEFICIENCY; Orthostatic hypotension 1, due to DBH deficiency. Identifiers: Orphanet 230, MedGen C4746777, MONDO:0009123, OMIM 223360.
DBH-related disorder. Also called: DBH-related condition.

Allele frequency attached by ClinVar (database versions not stated): gnomAD exomes 0.00033; ExAC 0.00034; ESP Exome Variant Server 0.00100; gnomAD 0.00109 and 0.00113; TOPMed 0.00146; 1000 Genomes Project 0.00260; 1000 Genomes Project 30x 0.00375.
gnomAD v4.1: 373 of 1,613,998 alleles (0.023%); highest among the groups gnomAD compares: African/African-American, 0.47%; 1 homozygote.

Submissions (4):

Labcorp Genetics (formerly Invitae), Labcorp
Classification: Benign for Orthostatic hypotension 1. Last evaluated: 2025-12-30. Review status: criteria provided, single submitter. Criteria: Invitae Variant Classification Sherloc (09022015). Collection method: clinical testing. Allele origin: germline.

Blueprint Genetics
Classification: Likely benign. Last evaluated: 2024-09-16. Review status: criteria provided, single submitter. Criteria: ACMG Guidelines, 2015. Collection method: clinical testing. Allele origin: germline.

Illumina Laboratory Services, Illumina
Classification: Likely benign for Orthostatic hypotension 1. Last evaluated: 2018-01-12. Review status: criteria provided, single submitter. Criteria: ICSL Variant Classification Criteria 13 December 2019. Collection method: clinical testing. Allele origin: germline.
Comment: This variant was observed in the ICSL laboratory as part of a predisposition screen in an ostensibly healthy population. It had not been previously curated by ICSL or reported in the Human Gene Mutation Database (HGMD: prior to June 1st, 2018), and was therefore a candidate for classification through an automated scoring system. Utilizing variant allele frequency, disease prevalence and penetrance estimates, and inheritance mode, an automated score was calculated to assess if this variant is too frequent to cause the disease. Based on the score and internal cut-off values, a variant classified as likely benign is not then subjected to further curation. The score for this variant resulted in a classification of likely benign for this disease.

PreventionGenetics, part of Exact Sciences
Classification: Likely benign for DBH-related condition. Last evaluated: 2024-09-09. Review status: no assertion criteria provided. Collection method: clinical testing. Allele origin: germline. Not counted in ClinVar's aggregate classification.
Comment: This variant is classified as likely benign based on ACMG/AMP sequence variant interpretation guidelines (Richards et al. 2015 PMID: 25741868, with internal and published modifications).

NM_000787.4(DBH):c.1735C>T (p.Leu579=)

Gene: DBH (dopamine beta-hydroxylase; plus strand). Cytogenetic location: 9q34.2.
Variant type: single nucleotide variant.
Coding change: c.1735C>T on transcript NM_000787.4 (MANE Select); coding-DNA position 1735, C replaced by T.
Protein change: p.Leu579=; no amino-acid change (leucine 579 retained).
Molecular consequence: synonymous variant.
Genome position (GRCh38, 1-based): chr9:133,658,328, C>T. VCF-style: chr9-133658328-C-T. GRCh37 (hg19) VCF-style: chr9-136523450-C-T.
Identifiers: ClinVar variation 715395 (VCV000715395.17), dbSNP rs61733931, ClinGen allele CA5313697.